The following is an entry in ClinVar:

ClinVar aggregate classification (germline): Pathogenic (1 of 4 stars; one submission).

Conditions:
Ataxia-telangiectasia syndrome (AT). Also called: LOUIS-BAR SYNDROME; Cerebello-oculocutaneous telangiectasia; Immunodeficiency with ataxia telangiectasia; Ataxia telangiectasia (A-T); Ataxia-telangiectasia, complementation group D; AT, COMPLEMENTATION GROUP C. Identifiers: Orphanet 100, MedGen C0004135, MONDO:0008840, OMIM 208900.

Submission:

Labcorp Genetics (formerly Invitae), Labcorp
Classification: Pathogenic for Ataxia-telangiectasia syndrome. Last evaluated: 2024-01-08. Review status: criteria provided, single submitter. Criteria: Invitae Variant Classification Sherloc (09022015). Collection method: clinical testing. Allele origin: germline.
Comment: This sequence change creates a premature translational stop signal (p.Gln2809Alafs*6) in the ATM gene. It is expected to result in an absent or disrupted protein product. Loss-of-function variants in ATM are known to be pathogenic (PMID: 23807571, 25614872). This variant is not present in population databases (gnomAD no frequency). This variant has not been reported in the literature in individuals affected with ATM-related conditions. For these reasons, this variant has been classified as Pathogenic.

Literature cited by the submitters: PubMed 23807571; PubMed 25614872.

NM_000051.4(ATM):c.8423dup (p.Gln2809fs)

Genes: ATM (ATM serine/threonine kinase; plus strand), C11orf65 (chromosome 11 open reading frame 65; minus strand). Cytogenetic location: 11q22.3.
Variant type: Duplication.
Coding change: c.8423dup on transcript NM_000051.4 (MANE Select); coding-DNA position 8423, one base duplicated (T; older notation c.8423dupT).
Protein change: p.Gln2809fs; shifts the reading frame from glutamine 2809.
Molecular consequence: frameshift variant. On other transcripts: intron variant (2).
Genome position (GRCh38, 1-based): chr11:108,345,747, T duplicated. VCF-style (leftmost placement, unchanged base first): chr11-108345746-G-GT. GRCh37 (hg19) VCF-style: chr11-108216473-G-GT.
Other names: c.8423dup, p.Gln2809fs (NM_001351834.2); c.641-36676dup (NM_001330368.2); c.695-10455dup (NM_001351110.2); short protein forms Q2809fs.
Identifiers: ClinVar variation 2708314 (VCV002708314.3), dbSNP rs2547441968, ClinGen allele CA2697558945.
Genomic context (GRCh38, chr11:108,345,746, plus strand): 5'-TATTAGTTTAATTGAACACAATATTGAAAAATAATTATATATATTCTCTATTTAAAGGAG[G>GT]TGCAAAAAAAGTCTTTTGAAGAGAAATATGAAGTCTTCATGGATGTTTGCCAAAATTTTC-3'